The following is an entry in ClinVar:

ClinVar aggregate classification (germline): Uncertain significance (1 of 4 stars; one submission).

Conditions:
Episodic ataxia type 1 (EA1). Also called: ATAXIA, EPISODIC, WITH MYOKYMIA; Episodic ataxia/myokymia syndrome; MYOKYMIA WITH PERIODIC ATAXIA; PAROXYSMAL ATAXIA WITH NEUROMYOTONIA, HEREDITARY. Identifiers: Orphanet 37612, Orphanet 972, MedGen C1719788, MONDO:0008047, OMIM 160120.

Submission:

Labcorp Genetics (formerly Invitae), Labcorp
Classification: Uncertain significance for Episodic ataxia type 1. Last evaluated: 2022-06-16. Review status: criteria provided, single submitter. Criteria: Invitae Variant Classification Sherloc (09022015). Collection method: clinical testing. Allele origin: germline.
Comment: In summary, the available evidence is currently insufficient to determine the role of this variant in disease. Therefore, it has been classified as a Variant of Uncertain Significance. Advanced modeling of protein sequence and biophysical properties (such as structural, functional, and spatial information, amino acid conservation, physicochemical variation, residue mobility, and thermodynamic stability) performed at Invitae indicates that this missense variant is not expected to disrupt KCNA1 protein function. This variant has not been reported in the literature in individuals affected with KCNA1-related conditions. This variant is not present in population databases (gnomAD no frequency). This sequence change replaces glutamine, which is neutral and polar, with arginine, which is basic and polar, at codon 276 of the KCNA1 protein (p.Gln276Arg).

NM_000217.3(KCNA1):c.827A>G (p.Gln276Arg)

Gene: KCNA1 (potassium voltage-gated channel subfamily A member 1; plus strand). Cytogenetic location: 12p13.32.
Variant type: single nucleotide variant.
Coding change: c.827A>G on transcript NM_000217.3 (MANE Select); coding-DNA position 827, A replaced by G.
Protein change: p.Gln276Arg; replaces glutamine 276 with arginine.
Molecular consequence: missense variant.
Genome position (GRCh38, 1-based): chr12:4,912,205, A>G. VCF-style: chr12-4912205-A-G. GRCh37 (hg19) VCF-style: chr12-5021371-A-G.
Other names: short protein forms Q276R.
Identifiers: ClinVar variation 1952349 (VCV001952349.5), dbSNP rs2497353237, ClinGen allele CA383455428.